The following is an entry in ClinVar:

ClinVar aggregate classification (germline): Benign. Review status: criteria provided, multiple submitters, no conflicts (2 of 4 stars). 9 submissions from 9 submitters: Benign (6). 3 of the submissions do not count toward it. Last evaluated 2026-02-02.

Conditions:
Fetal akinesia deformation sequence 1 (FADS1). Also called: Fetal akinesia sequence; Pena-Shokeir syndrome type I. Identifiers: Orphanet 994, MedGen C1276035, MONDO:0100101, OMIM 208150, HP:0001989.
Congenital myasthenic syndrome 10. Also called: Myasthenia, limb-girdle, familial. Identifiers: Orphanet 590, MedGen C1850792, MONDO:0009690, OMIM 254300.

Allele frequency attached by ClinVar (database versions not stated): gnomAD exomes 0.00579; ExAC 0.00749; gnomAD 0.02205 and 0.02362; ESP Exome Variant Server 0.02222; TOPMed 0.02430; 1000 Genomes Project 0.02656; 1000 Genomes Project 30x 0.02983.
gnomAD v4.1: 6,849 of 1,607,942 alleles (0.43%); highest among the groups gnomAD compares: African/African-American, 7.5%; 228 homozygotes.

Submissions (9):

Labcorp Genetics (formerly Invitae), Labcorp
Classification: Benign for Congenital myasthenic syndrome 10; Fetal akinesia deformation sequence 1. Last evaluated: 2026-02-02. Review status: criteria provided, single submitter. Criteria: Invitae Variant Classification Sherloc (09022015). Collection method: clinical testing. Allele origin: germline.

Mayo Clinic Laboratories, Mayo Clinic
Classification: Benign. Last evaluated: 2021-07-30. Review status: criteria provided, single submitter. Criteria: ACMG Guidelines, 2015. Collection method: clinical testing. Allele origin: germline. Observed: 3 variant alleles.

Athena Diagnostics
Classification: Benign. Last evaluated: 2017-11-06. Review status: criteria provided, single submitter. Criteria: Athena Diagnostics Criteria. Collection method: clinical testing. Allele origin: germline.

GeneDx
Classification: Benign. Last evaluated: 2016-12-31. Review status: criteria provided, single submitter. Criteria: GeneDx Variant Classification (06012015). Collection method: clinical testing. Allele origin: germline. Affected: yes.
Comment: This variant is considered likely benign or benign based on one or more of the following criteria: it is a conservative change, it occurs at a poorly conserved position in the protein, it is predicted to be benign by multiple in silico algorithms, and/or has population frequency not consistent with disease.

Breakthrough Genomics
Classification: Benign. Review status: criteria provided, single submitter. Criteria: ACMG Guidelines, 2015. Collection method: not provided. Allele origin: germline. Inheritance: Autosomal recessive inheritance. Affected: yes.

PreventionGenetics, part of Exact Sciences
Classification: Benign. Review status: criteria provided, single submitter. Criteria: ACMG Guidelines, 2015. Collection method: clinical testing. Allele origin: germline.

Genetic Services Laboratory, University of Chicago
Classification: Likely benign for AllHighlyPenetrant. Review status: no assertion criteria provided. Collection method: clinical testing. Allele origin: germline. Inheritance: Autosomal recessive inheritance. Not counted in ClinVar's aggregate classification.
Comment: Likely benign based on allele frequency in 1000 Genomes Project or ESP global frequency and its presence in a patient with a rare or unrelated disease phenotype. NOT Sanger confirmed.

Joint Genome Diagnostic Labs from Nijmegen and Maastricht, Radboudumc and MUMC+
Classification: Benign. Review status: no assertion criteria provided. Collection method: clinical testing. Allele origin: germline. Affected: yes. Study: VKGL Data-share Consensus. Not counted in ClinVar's aggregate classification.

Laboratory of Diagnostic Genome Analysis, Leiden University Medical Center (LUMC)
Classification: Likely benign. Review status: no assertion criteria provided. Collection method: clinical testing. Allele origin: germline. Affected: yes. Study: VKGL Data-share Consensus. Not counted in ClinVar's aggregate classification.

NM_173660.5(DOK7):c.589G>A (p.Asp197Asn)

Gene: DOK7 (docking protein 7; plus strand). Cytogenetic location: 4p16.3.
Variant type: single nucleotide variant.
Coding change: c.589G>A on transcript NM_173660.5 (MANE Select); coding-DNA position 589, G replaced by A.
Protein change: p.Asp197Asn; replaces aspartic acid 197 with asparagine.
Molecular consequence: missense variant. On other transcripts: 5 prime UTR variant (1).
Genome position (GRCh38, 1-based): chr4:3,485,595, G>A. VCF-style: chr4-3485595-G-A. GRCh37 (hg19) VCF-style: chr4-3487322-G-A.
Other names: c.578G>A, p.Arg193Gln (NM_001164673.2); c.-342G>A (NM_001256896.2); c.589G>A, p.Asp197Asn (NM_001301071.2); c.157G>A, p.Asp53Asn (NM_001363811.2); short protein forms D197N, D53N, R193Q.
Identifiers: ClinVar variation 128913 (VCV000128913.23), dbSNP rs16844422, ClinGen allele CA152604.